The following is an entry in ClinVar:

NM_003737.4(DCHS1):c.6134G>A (p.Arg2045His)

Gene: DCHS1 (dachsous cadherin-related 1; minus strand). Cytogenetic location: 11p15.4.
Variant type: single nucleotide variant.
Coding change: c.6134G>A on transcript NM_003737.4 (MANE Select); coding-DNA position 6134, G replaced by A.
Protein change: p.Arg2045His; replaces arginine 2045 with histidine.
Molecular consequence: missense variant.
Genome position (GRCh38, 1-based): chr11:6,626,905, C>T on the plus strand (G>A on the coding strand, the complement: DCHS1 is on the minus strand). VCF-style: chr11-6626905-C-T. GRCh37 (hg19) VCF-style: chr11-6648136-C-T.
Other names: c.6134G>A (NM_003737.2); short protein forms R2045H.
Identifiers: ClinVar variation 1513421 (VCV001513421.9), dbSNP rs374221703, ClinGen allele CA5859950.

ClinVar aggregate classification (germline): Uncertain significance. Review status: criteria provided, multiple submitters, no conflicts (2 of 4 stars). 2 submissions from 2 submitters: Uncertain significance (2). Last evaluated 2025-10-27.

Conditions:
Inborn genetic diseases. Identifiers: MedGen C0950123, MeSH D030342.

Allele frequency attached by ClinVar (database versions not stated): gnomAD 0.00002; ExAC 0.00003; TOPMed 0.00004; gnomAD exomes 0.00005.
gnomAD v4.1: 54 of 1,613,474 alleles (0.0033%); highest among the groups gnomAD compares: Admixed American, 0.013%; no homozygotes.

Submissions (2):

Labcorp Genetics (formerly Invitae), Labcorp
Classification: Uncertain significance. Last evaluated: 2025-10-27. Review status: criteria provided, single submitter. Criteria: Invitae Variant Classification Sherloc (09022015). Collection method: clinical testing. Allele origin: germline.
Comment: This sequence change replaces arginine, which is basic and polar, with histidine, which is basic and polar, at codon 2045 of the DCHS1 protein (p.Arg2045His). This variant is present in population databases (rs374221703, gnomAD 0.02%). This variant has not been reported in the literature in individuals affected with DCHS1-related conditions. ClinVar contains an entry for this variant (Variation ID: 1513421). Invitae Evidence Modeling of protein sequence and biophysical properties (such as structural, functional, and spatial information, amino acid conservation, physicochemical variation, residue mobility, and thermodynamic stability) indicates that this missense variant is not expected to disrupt DCHS1 protein function with a negative predictive value of 95%. In summary, the available evidence is currently insufficient to determine the role of this variant in disease. Therefore, it has been classified as a Variant of Uncertain Significance.

Ambry Genetics
Classification: Uncertain significance for Inborn genetic diseases. Last evaluated: 2022-11-01. Review status: criteria provided, single submitter. Criteria: Ambry Variant Classification Scheme 2023. Collection method: clinical testing. Allele origin: germline.